The following is an entry in ClinVar:

NM_002354.3(EPCAM):c.194A>G (p.Lys65Arg)

Gene: EPCAM (epithelial cell adhesion molecule; plus strand). Cytogenetic location: 2p21.
Variant type: single nucleotide variant.
Coding change: c.194A>G on transcript NM_002354.3 (MANE Select); coding-DNA position 194, A replaced by G.
Protein change: p.Lys65Arg; replaces lysine 65 with arginine.
Molecular consequence: missense variant.
Genome position (GRCh38, 1-based): chr2:47,373,817, A>G. VCF-style: chr2-47373817-A-G. GRCh37 (hg19) VCF-style: chr2-47600956-A-G.
Other names: short protein forms K65R.
Identifiers: ClinVar variation 4018556 (VCV004018556.1).

ClinVar aggregate classification (germline): Uncertain significance (1 of 4 stars; one submission).

Conditions:
Hereditary cancer-predisposing syndrome. Also called: Tumor predisposition; Hereditary neoplastic syndrome; Neoplastic Syndromes, Hereditary; Hereditary Cancer Syndrome. Identifiers: Orphanet 140162, MedGen C0027672, MeSH D009386, MONDO:0015356.

gnomAD v4.1: 2 of 1,613,966 alleles (0.00012%); highest among the groups gnomAD compares: Admixed American, 0.0017%; no homozygotes.

Submission:

Ambry Genetics
Classification: Uncertain significance for Hereditary cancer-predisposing syndrome. Last evaluated: 2025-04-11. Review status: criteria provided, single submitter. Criteria: Ambry Variant Classification Scheme 2023. Collection method: clinical testing. Allele origin: germline.
Comment: The p.K65R variant (also known as c.194A>G), located in coding exon 3 of the EPCAM gene, results from an A to G substitution at nucleotide position 194. The lysine at codon 65 is replaced by arginine, an amino acid with highly similar properties. This amino acid position is conserved. In addition, the in silico prediction for this alteration is inconclusive. Based on the available evidence, the clinical significance of this variant remains unclear.